The following is an entry in ClinVar:

ClinVar aggregate classification (germline): Uncertain significance. Review status: criteria provided, multiple submitters, no conflicts (2 of 4 stars). 3 submissions from 3 submitters: Uncertain significance (3). Last evaluated 2024-01-19.

Conditions:
Autosomal dominant hypocalcemia 1 (HYPOC1). Also called: HYPOCALCEMIA, FAMILIAL. Identifiers: MedGen C3715128, MONDO:0011013, OMIM 601198.
Familial hypocalciuric hypercalcemia (FHH). Also called: Familial benign hypercalcemia. Identifiers: Orphanet 405, MedGen C1809471, MONDO:0018458.
Nephrolithiasis/nephrocalcinosis. Identifiers: MedGen CN580796.

Allele frequency attached by ClinVar (database versions not stated): gnomAD 0.00001; gnomAD exomes 0.00002 and 0.00003; TOPMed 0.00005.
gnomAD v4.1: 51 of 1,614,112 alleles (0.0032%); highest among the groups gnomAD compares: Non-Finnish European, 0.0039%; no homozygotes.

Submissions (3):

Blueprint Genetics
Classification: Uncertain significance. Last evaluated: 2024-01-19. Review status: criteria provided, single submitter. Criteria: ACMG Guidelines, 2015. Collection method: clinical testing. Allele origin: germline.

Ambry Genetics
Classification: Uncertain significance for Nephrolithiasis/nephrocalcinosis. Last evaluated: 2023-12-22. Review status: criteria provided, single submitter. Criteria: Ambry Variant Classification Scheme 2023. Collection method: clinical testing. Allele origin: germline.
Comment: The p.K341N variant (also known as c.1023G>T), located in coding exon 3 of the CASR gene, results from a G to T substitution at nucleotide position 1023. The lysine at codon 341 is replaced by asparagine, an amino acid with similar properties. This amino acid position is conserved. In addition, this alteration is predicted to be tolerated by in silico analysis. Since supporting evidence is limited at this time, the clinical significance of this alteration remains unclear.

Labcorp Genetics (formerly Invitae), Labcorp
Classification: Uncertain significance for Familial hypocalciuric hypercalcemia; Autosomal dominant hypocalcemia 1. Last evaluated: 2023-02-14. Review status: criteria provided, single submitter. Criteria: Invitae Variant Classification Sherloc (09022015). Collection method: clinical testing. Allele origin: germline.
Comment: This variant is present in population databases (rs200196962, gnomAD 0.003%). In summary, the available evidence is currently insufficient to determine the role of this variant in disease. Therefore, it has been classified as a Variant of Uncertain Significance. Algorithms developed to predict the effect of missense changes on protein structure and function are either unavailable or do not agree on the potential impact of this missense change (SIFT: "Deleterious"; PolyPhen-2: "Benign"; Align-GVGD: "Class C0"). ClinVar contains an entry for this variant (Variation ID: 463890). This variant has not been reported in the literature in individuals affected with CASR-related conditions. This sequence change replaces lysine, which is basic and polar, with asparagine, which is neutral and polar, at codon 341 of the CASR protein (p.Lys341Asn).

NM_000388.4(CASR):c.1023G>T (p.Lys341Asn)

Gene: CASR (calcium sensing receptor; plus strand). Cytogenetic location: 3q21.1.
Variant type: single nucleotide variant.
Coding change: c.1023G>T on transcript NM_000388.4 (MANE Select); coding-DNA position 1023, G replaced by T.
Protein change: p.Lys341Asn; replaces lysine 341 with asparagine.
Molecular consequence: missense variant.
Genome position (GRCh38, 1-based): chr3:122,262,058, G>T. VCF-style: chr3-122262058-G-T. GRCh37 (hg19) VCF-style: chr3-121980905-G-T.
Other names: c.1023G>T, p.Lys341Asn (NM_001178065.2); short protein forms K341N.
Identifiers: ClinVar variation 463890 (VCV000463890.13), dbSNP rs200196962, ClinGen allele CA82738777.